The following is an entry in ClinVar:

NM_207037.2(TCF12):c.1483del (p.Glu495fs)

Gene: TCF12 (transcription factor 12; plus strand). Cytogenetic location: 15q21.3.
Variant type: Deletion.
Coding change: c.1483del on transcript NM_207037.2 (MANE Select); coding-DNA position 1483, one base deleted (G; older notation c.1483delG).
Protein change: p.Glu495fs; shifts the reading frame from glutamic acid 495.
Molecular consequence: frameshift variant.
Genome position (GRCh38, 1-based): chr15:57,262,109, G deleted; the last of 3 consecutive G bases (chr15:57,262,107-57,262,109); deleting any one gives the same sequence. VCF-style (leftmost placement, unchanged base first): chr15-57262106-CG-C. GRCh37 (hg19) VCF-style: chr15-57554304-CG-C.
Other names: c.973del, p.Glu325fs (NM_001306219.3); c.703del, p.Glu235fs (NM_001306220.3); c.1483del, p.Glu495fs (NM_001322151.2, NM_001322152.2, NM_001322159.3 and 2 more transcripts); c.826del, p.Glu276fs (NM_001322154.2); c.1309del, p.Glu437fs (NM_001322156.2); c.1411del, p.Glu471fs (NM_001322157.3, NM_001322165.2, NM_003205.4 and 1 more transcripts); c.1237del, p.Glu413fs (NM_001322158.2); c.1480del, p.Glu494fs (NM_001322161.2); and 2 more; short protein forms E494fs, E276fs, E325fs, E483fs, E413fs, E471fs, E235fs, E301fs.
Identifiers: ClinVar variation 3175089 (VCV003175089.1), dbSNP rs2551491616, ClinGen allele CA2825002287.

ClinVar aggregate classification (germline): Pathogenic (1 of 4 stars; one submission).

Conditions:
Inborn genetic diseases. Identifiers: MedGen C0950123, MeSH D030342.

Submission:

Ambry Genetics
Classification: Pathogenic for Inborn genetic diseases. Last evaluated: 2024-02-22. Review status: criteria provided, single submitter. Criteria: Ambry Variant Classification Scheme 2023. Collection method: clinical testing. Allele origin: germline.
Comment: The c.1483delG (p.E495Kfs*24) alteration, located in exon 17 (coding exon 16) of the TCF12 gene, consists of a deletion of one nucleotide at position 1483, causing a translational frameshift with a predicted alternate stop codon after 24 amino acids. This alteration is expected to result in loss of function by premature protein truncation or nonsense-mediated mRNA decay. This variant was not reported in population-based cohorts in the Genome Aggregation Database (gnomAD). Based on the available evidence, this alteration is classified as pathogenic.